The following is an entry in ClinVar:

NM_022089.4(ATP13A2):c.2020G>A (p.Ala674Thr)

Gene: ATP13A2 (ATPase cation transporting 13A2; minus strand). Cytogenetic location: 1p36.13.
Variant type: single nucleotide variant.
Coding change: c.2020G>A on transcript NM_022089.4 (MANE Select); coding-DNA position 2020, G replaced by A.
Protein change: p.Ala674Thr; replaces alanine 674 with threonine.
Molecular consequence: missense variant.
Genome position (GRCh38, 1-based): chr1:16,992,115, C>T on the plus strand (G>A on the coding strand, the complement: ATP13A2 is on the minus strand). VCF-style: chr1-16992115-C-T. GRCh37 (hg19) VCF-style: chr1-17318610-C-T.
Other names: c.2005G>A, p.Ala669Thr (NM_001141973.3, NM_001141974.3); short protein forms A674T, A669T.
Identifiers: ClinVar variation 590155 (VCV000590155.16), dbSNP rs143834546, ClinGen allele CA636987.
Genomic context (GRCh38, chr1:16,992,115, plus strand): 5'-GCTTGCTGGCCAGGGCCACGACACGGTAGCCAGCAGCTGTATAGCTCTGCAGCATCTGGG[C>T]GAAGTCGGTGGGCACTGCCAGGGAGAGGCAGGTGTCACAAGGAGGGGATGGCAGGGACAG-3'
Protein context (NP_071372.1, residues 664-684): CNPETVPTDF[Ala674Thr]QMLQSYTAAG

ClinVar aggregate classification (germline): Conflicting classifications of pathogenicity. Review status: criteria provided, conflicting classifications (1 of 4 stars). 3 submissions from 3 submitters: Uncertain significance (2); Likely benign (1). Last evaluated 2025-09-19.

Conditions:
Inborn genetic diseases. Identifiers: MedGen C0950123, MeSH D030342.
Kufor-Rakeb syndrome (KRS). Also called: PARKINSON DISEASE 9, AUTOSOMAL RECESSIVE, JUVENILE-ONSET. Identifiers: Orphanet 306674, Orphanet 314632, MedGen C1847640, MONDO:0011706, OMIM 606693.
Autosomal recessive spastic paraplegia type 78. Identifiers: Orphanet 513436, MedGen C5567893, MONDO:0014975, OMIM 617225.

Allele frequency attached by ClinVar (database versions not stated): gnomAD exomes 0.00003 and 0.00014; ExAC 0.00016; gnomAD 0.00035 and 0.00037; TOPMed 0.00037; ESP Exome Variant Server 0.00038; 1000 Genomes Project 0.00040; 1000 Genomes Project 30x 0.00047.
gnomAD v4.1: 95 of 1,613,286 alleles (0.0059%); highest among the groups gnomAD compares: African/African-American, 0.11%; no homozygotes.

Submissions (3):

GeneDx
Classification: Uncertain significance. Last evaluated: 2025-09-19. Review status: criteria provided, single submitter. Criteria: GeneDx Variant Classification Process June 2021. Collection method: clinical testing. Allele origin: germline. Affected: yes.
Comment: In silico analysis suggests that this missense variant does not alter protein structure/function; Has not been previously published as pathogenic or benign to our knowledge

Labcorp Genetics (formerly Invitae), Labcorp
Classification: Likely benign for Kufor-Rakeb syndrome; Autosomal recessive spastic paraplegia type 78. Last evaluated: 2025-07-16. Review status: criteria provided, single submitter. Criteria: Invitae Variant Classification Sherloc (09022015). Collection method: clinical testing. Allele origin: germline.

Ambry Genetics
Classification: Uncertain significance for Inborn genetic diseases. Last evaluated: 2017-05-30. Review status: criteria provided, single submitter. Criteria: Ambry Variant Classification Scheme 2023. Collection method: clinical testing. Allele origin: germline.
Comment: The p.A674T variant (also known as c.2020G>A), located in coding exon 19 of the ATP13A2 gene, results from a G to A substitution at nucleotide position 2020. The alanine at codon 674 is replaced by threonine, an amino acid with similar properties. This amino acid position is poorly conserved in available vertebrate species, and threonine is the reference amino acid in other vertebrate species. In addition, this alteration is predicted to be tolerated by in silico analysis. Since supporting evidence is limited at this time, the clinical significance of this alteration remains unclear.